The following is an entry in ClinVar:

NM_000435.3(NOTCH3):c.1099G>A (p.Asp367Asn)

Gene: NOTCH3 (notch receptor 3; minus strand). Cytogenetic location: 19p13.12.
Variant type: single nucleotide variant.
Coding change: c.1099G>A on transcript NM_000435.3 (MANE Select); coding-DNA position 1099, G replaced by A.
Protein change: p.Asp367Asn; replaces aspartic acid 367 with asparagine.
Molecular consequence: missense variant.
Genome position (GRCh38, 1-based): chr19:15,189,366, C>T on the plus strand (G>A on the coding strand, the complement: NOTCH3 is on the minus strand). VCF-style: chr19-15189366-C-T. GRCh37 (hg19) VCF-style: chr19-15300177-C-T.
Other names: c.1099G>A (NM_000435.2); short protein forms D367N.
Identifiers: ClinVar variation 2445894 (VCV002445894.2), dbSNP rs1321970859, ClinGen allele CA404529329.

ClinVar aggregate classification (germline): Uncertain significance (1 of 4 stars; one submission).

Allele frequency attached by ClinVar (database versions not stated): gnomAD exomes 0.00001; TOPMed 0.00001.
gnomAD v4.1: 3 of 1,614,030 alleles (0.00019%); highest among the groups gnomAD compares: Admixed American, 0.005%; no homozygotes.

Submission:

Women's Health and Genetics/Laboratory Corporation of America, LabCorp
Classification: Uncertain significance. Last evaluated: 2025-06-03. Review status: criteria provided, single submitter. Criteria: LabCorp Variant Classification Summary - May 2015. Collection method: clinical testing. Allele origin: germline.
Comment: Variant summary: NOTCH3 c.1099G>A (p.Asp367Asn) results in a conservative amino acid change in the encoded protein sequence. Algorithms developed to predict the effect of missense changes on protein structure and function are either unavailable or do not agree on the potential impact of this missense change. The variant allele was found at a frequency of 8e-06 in 251276 control chromosomes. The available data on variant occurrences in the general population are insufficient to allow any conclusion about variant significance. To our knowledge, no occurrence of c.1099G>A in individuals affected with NOTCH3-Related Disorders and no experimental evidence demonstrating its impact on protein function have been reported. ClinVar contains an entry for this variant (Variation ID: 2445894). Based on the evidence outlined above, the variant was classified as uncertain significance.